The following is an entry in ClinVar:

ClinVar aggregate classification (germline): Uncertain significance. Review status: criteria provided, multiple submitters, no conflicts (2 of 4 stars). 2 submissions from 2 submitters: Uncertain significance (2). Last evaluated 2025-10-20.

Conditions:
Inborn genetic diseases. Identifiers: MedGen C0950123, MeSH D030342.
Pityriasis rubra pilaris (PRP). Also called: Pityriasis rubra pilaris--familial type. Identifiers: Orphanet 2897, MedGen C0032027, MONDO:0100017, OMIM 173200, MONDO:0008251.
Psoriasis 2. Identifiers: MedGen C1864497, MONDO:0011269, OMIM 602723.

Allele frequency attached by ClinVar (database versions not stated): gnomAD exomes 0.00001; gnomAD 0.00002; TOPMed 0.00002.
gnomAD v4.1: 10 of 1,613,886 alleles (0.00062%); highest among the groups gnomAD compares: African/African-American, 0.0013%; no homozygotes.

Submissions (2):

Labcorp Genetics (formerly Invitae), Labcorp
Classification: Uncertain significance for Pityriasis rubra pilaris; Psoriasis 2. Last evaluated: 2025-10-20. Review status: criteria provided, single submitter. Criteria: Invitae Variant Classification Sherloc (09022015). Collection method: clinical testing. Allele origin: germline.
Comment: This sequence change replaces histidine, which is basic and polar, with asparagine, which is neutral and polar, at codon 924 of the CARD14 protein (p.His924Asn). This variant is present in population databases (no rsID available, gnomAD 0.007%). This variant has not been reported in the literature in individuals affected with CARD14-related conditions. ClinVar contains an entry for this variant (Variation ID: 2069749). Invitae Evidence Modeling of protein sequence and biophysical properties (such as structural, functional, and spatial information, amino acid conservation, physicochemical variation, residue mobility, and thermodynamic stability) has been performed for this missense variant. However, the output from this modeling did not meet the statistical confidence thresholds required to predict the impact of this variant on CARD14 protein function. In summary, the available evidence is currently insufficient to determine the role of this variant in disease. Therefore, it has been classified as a Variant of Uncertain Significance.

Ambry Genetics
Classification: Uncertain significance for Inborn genetic diseases. Last evaluated: 2025-01-30. Review status: criteria provided, single submitter. Criteria: Ambry Variant Classification Scheme 2023. Collection method: clinical testing. Allele origin: germline.

NM_001366385.1(CARD14):c.2770C>A (p.His924Asn)

Genes: SGSH (N-sulfoglucosamine sulfohydrolase; minus strand), CARD14 (caspase recruitment domain family member 14; plus strand). Cytogenetic location: 17q25.3.
Variant type: single nucleotide variant.
Coding change: c.2770C>A on transcript NM_001366385.1 (MANE Select); coding-DNA position 2770, C replaced by A.
Protein change: p.His924Asn; replaces histidine 924 with asparagine.
Molecular consequence: missense variant. On other transcripts: non-coding transcript variant (1).
Genome position (GRCh38, 1-based): chr17:80,207,048, C>A. VCF-style: chr17-80207048-C-A. GRCh37 (hg19) VCF-style: chr17-78180847-C-A.
Other names: c.2770C>A (NM_024110.3); c.2770C>A, p.His924Asn (NM_024110.4); short protein forms H924N.
Identifiers: ClinVar variation 2069749 (VCV002069749.5), dbSNP rs1364753487, ClinGen allele CA401357023.